The following is an entry in ClinVar:

NM_000489.6(ATRX):c.4120+4A>C

Gene: ATRX (ATRX chromatin remodeler; minus strand). Cytogenetic location: Xq21.1.
Variant type: single nucleotide variant.
Coding change: c.4120+4A>C on transcript NM_000489.6 (MANE Select); 4 bases into the intron after coding-DNA position 4120, A replaced by C.
Molecular consequence: intron variant.
Genome position (GRCh38, 1-based): chrX:77,663,378, T>G on the plus strand (A>C on the coding strand, the complement: ATRX is on the minus strand). VCF-style: chrX-77663378-T-G. GRCh37 (hg19) VCF-style: chrX-76918867-T-G.
Other names: c.4006+4A>C (NM_138270.5).
Identifiers: ClinVar variation 193997 (VCV000193997.32), dbSNP rs200420513, ClinGen allele CA208162.
Genomic context (GRCh38, chrX:77,663,378, plus strand): 5'-ATTACAGGCATAAGCCACTGTCTGGTCCAATATGTTCTTTACATTCAGAATTAAAACATC[T>G]TACCCTTTCTTCTGTTTCTGCCTTTGACTTCTTTATGCTCTTTAGGCTTTGTCTTTTTTT-3'

ClinVar aggregate classification (germline): Conflicting classifications of pathogenicity. Review status: criteria provided, conflicting classifications (1 of 4 stars). 10 submissions from 10 submitters: Uncertain significance (1); Benign (3); Likely benign (3). 3 of the submissions do not count toward it. Last evaluated 2026-01-21.

Conditions:
Inborn genetic diseases. Identifiers: MedGen C0950123, MeSH D030342.
Alpha thalassemia-X-linked intellectual disability syndrome (ATRX). Also called: ALPHA-THALASSEMIA/MENTAL RETARDATION SYNDROME, X-LINKED; ALPHA-THALASSEMIA/IMPAIRED INTELLECTUAL DEVELOPMENT SYNDROME, X-LINKED; X-linked alpha-thalassemia-mental retardation syndrome; ATR, NONDELETION TYPE; ATR-X syndrome; Alpha thalassemia mental retardation syndrome, nondeletion type, X-linked. Identifiers: Orphanet 847, MedGen C1845055, MONDO:0010519, OMIM 301040.

Allele frequency attached by ClinVar (database versions not stated): TOPMed 0.00026; 1000 Genomes Project 30x 0.00042; gnomAD 0.00045 and 0.00046; ExAC 0.00046; gnomAD exomes 0.00049 and 0.00050; 1000 Genomes Project 0.00053; ESP Exome Variant Server 0.00057.
gnomAD v4.1: 594 of 1,208,452 alleles (0.049%); highest among the groups gnomAD compares: Non-Finnish European, 0.052%; no homozygotes.

Submissions (12):

Labcorp Genetics (formerly Invitae), Labcorp
Classification: Benign for Alpha thalassemia-X-linked intellectual disability syndrome. Last evaluated: 2026-01-21. Review status: criteria provided, single submitter. Criteria: Invitae Variant Classification Sherloc (09022015). Collection method: clinical testing. Allele origin: germline.

Athena Diagnostics
Classification: Benign. Last evaluated: 2024-12-23. Review status: criteria provided, single submitter. Criteria: Athena Diagnostics Criteria. Collection method: clinical testing. Allele origin: unknown.
Comment: The frequency of this variant in the general population is higher than would generally be expected for pathogenic variants in this gene. This nucleotide position exhibits low evolutionary conservation.

Blueprint Genetics
Classification: Likely benign. Last evaluated: 2024-08-23. Review status: criteria provided, single submitter. Criteria: ACMG Guidelines, 2015. Collection method: clinical testing. Allele origin: germline.

GeneDx
Classification: Likely benign. Last evaluated: 2019-03-21. Review status: criteria provided, single submitter. Criteria: GeneDx Variant Classification Process June 2021. Collection method: clinical testing. Allele origin: germline. Affected: yes.

Ambry Genetics
Classification: Benign for Inborn genetic diseases. Last evaluated: 2017-10-11. Review status: criteria provided, single submitter. Criteria: Ambry Variant Classification Scheme 2023. Collection method: clinical testing. Allele origin: germline.

Genetic Services Laboratory, University of Chicago
Classification: Likely benign. Last evaluated: 2015-05-12. Review status: criteria provided, single submitter. Criteria: ACMG Guidelines, 2015. Collection method: clinical testing. Allele origin: germline.

Eurofins Ntd Llc (ga)
Classification: Uncertain significance. Last evaluated: 2014-10-17. Review status: criteria provided, single submitter. Criteria: EGL Classification Definitions 2015. Collection method: clinical testing. Allele origin: germline. Observed: 1 variant allele, 1 homozygote.

Natera, Inc.
Classification: Likely benign for X-linked alpha-thalassemia-mental retardation syndrome. Last evaluated: 2020-03-04. Review status: no assertion criteria provided. Collection method: clinical testing. Allele origin: germline. Not counted in ClinVar's aggregate classification.

Clinical Genetics DNA and cytogenetics Diagnostics Lab, Erasmus MC, Erasmus Medical Center
Classification: Likely benign. Review status: no assertion criteria provided. Collection method: clinical testing. Allele origin: germline. Affected: yes. Study: VKGL Data-share Consensus. Not counted in ClinVar's aggregate classification.

Dr. Peter K. Rogan Lab, Western University
No classification provided (evidence only). Condition: Melanoma. Review status: no classification provided. Collection method: in vitro. Allele origin: not applicable. Functional consequence: skipped exon. Not counted in ClinVar's aggregate classification.

Dr. Peter K. Rogan Lab, Western University
No classification provided (evidence only). Condition: Colon adenocarcinoma. Review status: no classification provided. Collection method: in vitro. Allele origin: not applicable. Functional consequence: retained intron. Not counted in ClinVar's aggregate classification.

Genome Diagnostics Laboratory, University Medical Center Utrecht
Classification: Likely benign. Review status: no assertion criteria provided. Collection method: clinical testing. Allele origin: germline. Affected: yes. Study: VKGL Data-share Consensus. Not counted in ClinVar's aggregate classification.